The following is an entry in ClinVar:

ClinVar aggregate classification (germline): Likely pathogenic (1 of 4 stars; one submission).

Conditions:
Fanconi anemia (FA). Also called: Fanconi's anemia. Identifiers: Orphanet 84, MedGen C0015625, MeSH D005199, MONDO:0019391.

Submission:

Labcorp Genetics (formerly Invitae), Labcorp
Classification: Likely pathogenic for Fanconi anemia. Last evaluated: 2020-11-26. Review status: criteria provided, single submitter. Criteria: Invitae Variant Classification Sherloc (09022015). Collection method: clinical testing. Allele origin: germline.
Comment: This variant has not been reported in the literature in individuals with FANCA-related conditions. This variant results in the deletion of exons 29-30 and part of exon 28 (c.2641_2981+9delinsGA) of the FANCA gene. It is expected to disrupt RNA splicing. Variants that disrupt the donor or acceptor splice site typically lead to a loss of protein function (PMID: 16199547), and loss-of-function variants in FANCA are known to be pathogenic (PMID: 19367192). In summary, the currently available evidence indicates that the variant is pathogenic, but additional data are needed to prove that conclusively. Therefore, this variant has been classified as Likely Pathogenic.

Literature cited by the submitters: PubMed 16199547; PubMed 19367192.

NC_000016.9:g.(?_89824976)_(89831435_?)del

Gene: FANCA (FA complementation group A; minus strand). Cytogenetic location: 16q24.3.
Variant type: Deletion.
Identifiers: ClinVar variation 1504484 (VCV001504484.4).